The following is an entry in ClinVar:

ClinVar aggregate classification (germline): Conflicting classifications of pathogenicity. Review status: criteria provided, conflicting classifications (1 of 4 stars). 2 submissions from 2 submitters: Pathogenic (1); Uncertain significance (1). Last evaluated 2025-06-06.

Conditions:
Metachromatic leukodystrophy (MLD). Also called: ARSA DEFICIENCY; CEREBROSIDE SULFATASE DEFICIENCY; Cerebral sclerosis diffuse metachromatic form; Arylsulfatase A Deficiency; SULFATIDE LIPIDOSIS; METACHROMATIC LEUKOENCEPHALOPATHY. Identifiers: Orphanet 512, MedGen C0023522, MONDO:0018868, OMIM 250100.

Submissions (2):

Labcorp Genetics (formerly Invitae), Labcorp
Classification: Pathogenic for Metachromatic leukodystrophy. Last evaluated: 2025-06-06. Review status: criteria provided, single submitter. Criteria: Invitae Variant Classification Sherloc (09022015). Collection method: clinical testing. Allele origin: germline.
Comment: This sequence change replaces proline, which is neutral and non-polar, with serine, which is neutral and polar, at codon 193 of the ARSA protein (p.Pro193Ser). This variant is not present in population databases (gnomAD no frequency). This missense change has been observed in individuals with metachromatic leukodystophy (PMID: 33185815). ClinVar contains an entry for this variant (Variation ID: 1714483). Invitae Evidence Modeling of protein sequence and biophysical properties (such as structural, functional, and spatial information, amino acid conservation, physicochemical variation, residue mobility, and thermodynamic stability) indicates that this missense variant is expected to disrupt ARSA protein function with a positive predictive value of 95%. For these reasons, this variant has been classified as Pathogenic.

Women's Health and Genetics/Laboratory Corporation of America, LabCorp
Classification: Uncertain significance. Last evaluated: 2025-05-05. Review status: criteria provided, single submitter. Criteria: LabCorp Variant Classification Summary - May 2015. Collection method: clinical testing. Allele origin: germline.
Comment: Variant summary: ARSA c.577C>T (p.Pro193Ser) results in a non-conservative amino acid change in the encoded protein sequence. Algorithms developed to predict the effect of missense changes on protein structure and function all suggest that this variant is likely to be disruptive. The variant was absent in 249054 control chromosomes. c.577C>T has been observed at a homozygous VUS change in one individual affected with Metachromatic Leukodystrophy (Ganapathy_2019), however, it is not clear whether this is the same variant as in Amr_2021. These report(s) do not provide unequivocal conclusions about association of the variant with Metachromatic Leukodystrophy. To our knowledge, no experimental evidence demonstrating an impact on protein function has been reported. The following publications have been ascertained in the context of this evaluation (PMID: 33185815, 31069529). ClinVar contains an entry for this variant (Variation ID: 1714483). Based on the evidence outlined above, the variant was classified as uncertain significance.

Literature cited by the submitters: PubMed 33185815 (cited by Labcorp Genetics (formerly Invitae), Labcorp and Women's Health and Genetics/Laboratory Corporation of America, LabCorp); PubMed 31069529 (cited by Women's Health and Genetics/Laboratory Corporation of America, LabCorp).

NM_000487.6(ARSA):c.577C>T (p.Pro193Ser)

Gene: ARSA (arylsulfatase A; minus strand). Cytogenetic location: 22q13.33.
Variant type: single nucleotide variant.
Coding change: c.577C>T on transcript NM_000487.6 (MANE Select); coding-DNA position 577, C replaced by T.
Protein change: p.Pro193Ser; replaces proline 193 with serine.
Molecular consequence: missense variant.
Genome position (GRCh38, 1-based): chr22:50,626,941, G>A on the plus strand (C>T on the coding strand, the complement: ARSA is on the minus strand). VCF-style: chr22-50626941-G-A. GRCh37 (hg19) VCF-style: chr22-51065369-G-A.
Other names: c.577C>T, p.Pro193Ser (NM_001085425.3, NM_001085426.3, NM_001085427.3); c.319C>T, p.Pro107Ser (NM_001085428.3, NM_001362782.2); short protein forms P107S, P193S.
Identifiers: ClinVar variation 1714483 (VCV001714483.5), dbSNP rs199476374, ClinGen allele CA412177460.